The following is an entry in ClinVar:

NM_001385012.1(NBEA):c.3241T>A (p.Leu1081Ile)

Gene: NBEA (neurobeachin; plus strand). Cytogenetic location: 13q13.3.
Variant type: single nucleotide variant.
Coding change: c.3241T>A on transcript NM_001385012.1 (MANE Select); coding-DNA position 3241, T replaced by A.
Protein change: p.Leu1081Ile; replaces leucine 1081 with isoleucine.
Molecular consequence: missense variant.
Genome position (GRCh38, 1-based): chr13:35,159,412, T>A. VCF-style: chr13-35159412-T-A. GRCh37 (hg19) VCF-style: chr13-35733549-T-A.
Other names: c.3241T>A, p.Leu1081Ile (NM_001379245.1, NM_015678.5); short protein forms L1081I.
Identifiers: ClinVar variation 2643744 (VCV002643744.26), dbSNP rs201929445, ClinGen allele CA6946605.

ClinVar aggregate classification (germline): Benign/Likely benign. Review status: criteria provided, multiple submitters, no conflicts (2 of 4 stars). 3 submissions from 3 submitters: Benign (1); Likely benign (2). Last evaluated 2025-06-01.

Allele frequency attached by ClinVar (database versions not stated): TOPMed 0.00005; 1000 Genomes Project 0.00020; gnomAD 0.00020; gnomAD exomes 0.00028; 1000 Genomes Project 30x 0.00047; ExAC 0.00052.
gnomAD v4.1: 429 of 1,613,244 alleles (0.027%); highest among the groups gnomAD compares: South Asian, 0.26%; 3 homozygotes.

Submissions (3):

CeGaT Center for Human Genetics Tuebingen
Classification: Likely benign. Last evaluated: 2025-06-01. Review status: criteria provided, single submitter. Criteria: CeGaT Center For Human Genetics Tuebingen Variant Classification Criteria Version 2. Collection method: clinical testing. Allele origin: germline. Affected: yes. Observed: 4 variant alleles.
Comment: NBEA: BS1

Laboratory of Genetics, Children's Clinical University Hospital Latvia
Classification: Benign. Last evaluated: 2025-02-16. Review status: criteria provided, single submitter. Criteria: ACMG Guidelines, 2015. Collection method: clinical testing. Allele origin: germline. Affected: yes.

Blueprint Genetics
Classification: Likely benign. Last evaluated: 2024-11-04. Review status: criteria provided, single submitter. Criteria: ACMG Guidelines, 2015. Collection method: clinical testing. Allele origin: germline.